The following is an entry in ClinVar:

ClinVar aggregate classification (germline): Pathogenic/Likely pathogenic. Review status: criteria provided, multiple submitters, no conflicts (2 of 4 stars). 7 submissions from 7 submitters: Pathogenic (4); Likely pathogenic (2). 1 of the submissions does not count toward it. Last evaluated 2026-09-23.

Conditions:
Phenylketonuria (PKU). Also called: FOLLING DISEASE; Phenylketonurias; OLIGOPHRENIA PHENYLPYRUVICA; Phenylketonuria (PKU). Identifiers: Orphanet 716, MedGen C0031485, MONDO:0009861, OMIM 261600. Disease mechanism: loss of function.

Allele frequency attached by ClinVar (database versions not stated): TOPMed below 0.00001; gnomAD exomes below 0.00001.
gnomAD v4.1: 2 of 1,613,802 alleles (0.00012%); highest among the groups gnomAD compares: Non-Finnish European, 0.000085%; no homozygotes.

Submissions (7):

GeneDx
Classification: Likely pathogenic. Last evaluated: 2026-09-23. Review status: criteria provided, single submitter. Criteria: GeneDx Variant Classification Process June 2021. Collection method: clinical testing. Allele origin: germline.
Comment: Reported in the published literature in assocation with PAH-related disorders; however, detailed clinical and segregation information was not provided (PMID: 12655553, 8268925, 19913839, 35281663, 39940237); Not observed at significant frequency in large population cohorts (gnomAD); In silico analysis supports that this missense variant has a deleterious effect on protein structure/function; This variant is associated with the following publications: (PMID: 8268925, 12655553, 34426522, 23842451, 19913839, 32668217, 11708866, 28593914, 35405047, 36646061, 30159852, 29997390, 37509538, 23690520, 33625639, 35339094, 39940237, 35281663, 27623981)

Labcorp Genetics (formerly Invitae), Labcorp
Classification: Pathogenic for Phenylketonuria. Last evaluated: 2026-01-08. Review status: criteria provided, single submitter. Criteria: Invitae Variant Classification Sherloc (09022015). Collection method: clinical testing. Allele origin: germline.
Comment: This sequence change replaces tyrosine, which is neutral and polar, with cysteine, which is neutral and slightly polar, at codon 343 of the PAH protein (p.Tyr343Cys). This variant is not present in population databases (gnomAD no frequency). This missense change has been observed in individual(s) with clinical features of phenylketonuria (PMID: 19913839, 23690520, 23842451, 32668217; BIOPKU). ClinVar contains an entry for this variant (Variation ID: 102477). Invitae Evidence Modeling of protein sequence and biophysical properties (such as structural, functional, and spatial information, amino acid conservation, physicochemical variation, residue mobility, and thermodynamic stability) has been performed for this missense variant. However, the output from this modeling did not meet the statistical confidence thresholds required to predict the impact of this variant on PAH protein function. For these reasons, this variant has been classified as Pathogenic.

Quest Diagnostics Nichols Institute San Juan Capistrano
Classification: Likely pathogenic. Last evaluated: 2024-02-14. Review status: criteria provided, single submitter. Criteria: Quest Diagnostics criteria. Collection method: clinical testing. Allele origin: unknown.
Comment: The PAH c.1028A>G (p.Tyr343Cys) variant has been reported in the published literature in individuals with PAH-related conditions (PMIDs: 8268925 (1993), 11708866 (2001), 12655553 (2003), 19913839 (2010), 29997390 (2019), 33625639 (2021) and 35405047 (2022)) including homozygous (PMIDs: 28593914 (2017) and 30159852 (2018)) or compound heterozygous individuals (PMIDs: 23842451 (2013), 27623981 (2017)), 35281663 (2022), and 37509538 (2023)). This variant has not been reported in large, multi-ethnic general populations (Genome Aggregation Database). Analysis of this variant using bioinformatics tools for the prediction of the effect of amino acid changes on protein structure and function yielded predictions that this variant is damaging. Based on the available information, this variant is classified as likely pathogenic.

Baylor Genetics
Classification: Pathogenic for Phenylketonuria. Last evaluated: 2023-09-03. Review status: criteria provided, single submitter. Criteria: ACMG Guidelines, 2015. Collection method: clinical testing. Allele origin: unknown.

Women's Health and Genetics/Laboratory Corporation of America, LabCorp
Classification: Pathogenic for Phenylketonuria. Last evaluated: 2019-02-04. Review status: criteria provided, single submitter. Criteria: LabCorp Variant Classification Summary - May 2015. Collection method: clinical testing. Allele origin: germline.
Comment: Variant summary: PAH c.1028A>G (p.Tyr343Cys) results in a non-conservative amino acid change located in the aromatic amino acid hydroxylase, C-terminal domain of the encoded protein sequence. Five of five in-silico tools predict a damaging effect of the variant on protein function. The variant was absent in 246022 control chromosomes (gnomAD). c.1028A>G has been reported in the literature in multiple compound heterozygous individuals affected with Phenylalanine Hydroxylase Deficiency (Phenylketonuria, PKU). Based on the data provided by the BioPKU database, the variant was found in 7 patients with mild hyperphenylalaninaemia or mild PKU (Garbade 2018). These data indicate that the variant is very likely to be associated with disease. A ClinVar submission from a clinical diagnostic laboratory (evaluation after 2014) cites the variant as likely pathogenic. Based on the evidence outlined above, the variant was classified as pathogenic.

Clinical Genetics Service, Universitary Hospital 12 de Octubre
Classification: Pathogenic for Phenylketonuria. Review status: criteria provided, single submitter. Criteria: ACMG Guidelines, 2015. Collection method: clinical testing. Allele origin: germline. Affected: yes.

DeBelle Laboratory for Biochemical Genetics, MUHC/MCH RESEARCH INSTITUTE
No classification provided. Review status: no classification provided. Collection method: not provided. Allele origin: not provided. Not counted in ClinVar's aggregate classification.

Literature cited by the submitters: PubMed 19913839 (cited by 3 submitters); PubMed 23690520 (cited by Labcorp Genetics (formerly Invitae), Labcorp and Women's Health and Genetics/Laboratory Corporation of America, LabCorp); PubMed 23842451 (cited by 3 submitters); PubMed 32668217 (cited by Labcorp Genetics (formerly Invitae), Labcorp and Quest Diagnostics Nichols Institute San Juan Capistrano); PubMed 29997390 (cited by Quest Diagnostics Nichols Institute San Juan Capistrano and Women's Health and Genetics/Laboratory Corporation of America, LabCorp); PubMed 27623981 (cited by Quest Diagnostics Nichols Institute San Juan Capistrano and Women's Health and Genetics/Laboratory Corporation of America, LabCorp); PubMed 11708866 (cited by Quest Diagnostics Nichols Institute San Juan Capistrano and Women's Health and Genetics/Laboratory Corporation of America, LabCorp); PubMed 8268925 (cited by Quest Diagnostics Nichols Institute San Juan Capistrano); PubMed 28593914 (cited by Quest Diagnostics Nichols Institute San Juan Capistrano); PubMed 33625639 (cited by Quest Diagnostics Nichols Institute San Juan Capistrano); PubMed 12655553 (cited by Quest Diagnostics Nichols Institute San Juan Capistrano); PubMed 30159852 (cited by Quest Diagnostics Nichols Institute San Juan Capistrano); PubMed 36646061 (cited by Quest Diagnostics Nichols Institute San Juan Capistrano); PubMed 35405047 (cited by Quest Diagnostics Nichols Institute San Juan Capistrano); PubMed 37509538 (cited by Quest Diagnostics Nichols Institute San Juan Capistrano); PubMed 35339094 (cited by Quest Diagnostics Nichols Institute San Juan Capistrano); PubMed 35281663 (cited by Quest Diagnostics Nichols Institute San Juan Capistrano).

NM_000277.3(PAH):c.1028A>G (p.Tyr343Cys)

Gene: PAH (phenylalanine hydroxylase; minus strand). Cytogenetic location: 12q23.2.
Variant type: single nucleotide variant.
Coding change: c.1028A>G on transcript NM_000277.3 (MANE Select); coding-DNA position 1028, A replaced by G.
Protein change: p.Tyr343Cys; replaces tyrosine 343 with cysteine.
Molecular consequence: missense variant.
Genome position (GRCh38, 1-based): chr12:102,844,373, T>C on the plus strand (A>G on the coding strand, the complement: PAH is on the minus strand). VCF-style: chr12-102844373-T-C. GRCh37 (hg19) VCF-style: chr12-103238151-T-C.
Other names: c.1028A>G, p.Tyr343Cys (NM_001354304.2); short protein forms Y343C.
Identifiers: ClinVar variation 102477 (VCV000102477.14), dbSNP rs62507265, ClinGen allele CA229282.